The following is an entry in ClinVar:

NM_001374736.1(DST):c.14291C>T (p.Thr4764Ile)

Genes: DST (dystonin; minus strand), LOC129389544 (MPRA-validated peak5860 silencer; plus strand). Cytogenetic location: 6p12.1.
Variant type: single nucleotide variant.
Coding change: c.14291C>T on transcript NM_001374736.1 (MANE Select); coding-DNA position 14291, C replaced by T.
Protein change: p.Thr4764Ile; replaces threonine 4764 with isoleucine.
Molecular consequence: missense variant.
Genome position (GRCh38, 1-based): chr6:56,561,327, G>A on the plus strand (C>T on the coding strand, the complement: DST is on the minus strand). VCF-style: chr6-56561327-G-A. GRCh37 (hg19) VCF-style: chr6-56426125-G-A.
Other names: c.7934C>T, p.Thr2645Ile (NM_001144769.5); c.7520C>T, p.Thr2507Ile (NM_001144770.2); c.14291C>T, p.Thr4764Ile (NM_001374722.1); c.13658C>T, p.Thr4553Ile (NM_001374729.1); c.7400C>T, p.Thr2467Ile (NM_001374730.1, NM_183380.4); c.14318C>T, p.Thr4773Ile (NM_001374734.1); c.6422C>T, p.Thr2141Ile (NM_015548.5); short protein forms T2645I, T4773I, T4553I, T4764I, T2141I, T2467I, T2507I.
Identifiers: ClinVar variation 965201 (VCV000965201.8), dbSNP rs1664409134, ClinGen allele CA364522244.

ClinVar aggregate classification (germline): Uncertain significance (1 of 4 stars; one submission).

Conditions:
Hereditary sensory and autonomic neuropathy type 6. Also called: Neuropathy, hereditary sensory and autonomic, type VI; HSAN VI. Identifiers: Orphanet 314381, MedGen C3539003, MONDO:0013839, OMIM 614653.
Epidermolysis bullosa simplex 3, localized or generalized intermediate, with BP230 deficiency (EBS3). Also called: Epidermolysis bullosa simplex, autosomal recessive 2; Epidermolysis bullosa simplex due to BP230 deficiency. Identifiers: Orphanet 412181, MedGen C3809470, MONDO:0014180, OMIM 615425.

Allele frequency attached by ClinVar (database versions not stated): gnomAD exomes below 0.00001.
gnomAD v4.1: 1 of 1,613,314 alleles (0.000062%); highest among the groups gnomAD compares: Non-Finnish European, 0.000085%; no homozygotes.

Submission:

Labcorp Genetics (formerly Invitae), Labcorp
Classification: Uncertain significance for Epidermolysis bullosa simplex 3, localized or generalized intermediate, with BP230 deficiency; Hereditary sensory and autonomic neuropathy type 6. Last evaluated: 2019-05-08. Review status: criteria provided, single submitter. Criteria: Invitae Variant Classification Sherloc (09022015). Collection method: clinical testing. Allele origin: germline.
Comment: In summary, the available evidence is currently insufficient to determine the role of this variant in disease. Therefore, it has been classified as a Variant of Uncertain Significance. Algorithms developed to predict the effect of missense changes on protein structure and function are either unavailable or do not agree on the potential impact of this missense change (SIFT: "Tolerated"; PolyPhen-2: "Not Available"; Align-GVGD: "Class C0"). This variant has not been reported in the literature in individuals with DST-related conditions. This variant is not present in population databases (ExAC no frequency). This sequence change replaces threonine with isoleucine at codon 2141 of the DST protein (p.Thr2141Ile). The threonine residue is weakly conserved and there is a moderate physicochemical difference between threonine and isoleucine. The DST gene has multiple clinically relevant transcripts. The p.Thr2141Ile variant occurs in alternate transcript NM_015548.4, which corresponds to c.*54190C>T in NM_001723.5, the primary transcript listed in the Methods.